The following is an entry in ClinVar:

ClinVar aggregate classification (germline): Pathogenic (1 of 4 stars; one submission).

Submission:

Centre of Medical Genetics, University Hospital Muenster
Classification: Pathogenic. Last evaluated: 2023-12-04. Review status: criteria provided, single submitter. Criteria: ACMG Guidelines, 2015. Collection method: clinical testing. Allele origin: unknown. Affected: yes. Observed: 1 variant allele, 1 heterozygote.
Comment: ACMG categories: PVS1,PM2,PM6

NM_182641.4(BPTF):c.8649del (p.Ser2883fs)

Gene: BPTF (bromodomain PHD finger transcription factor; plus strand). Cytogenetic location: 17q24.2.
Variant type: Deletion.
Coding change: c.8649del on transcript NM_182641.4 (MANE Select); coding-DNA position 8649, one base deleted (T; older notation c.8649delT).
Protein change: p.Ser2883fs; shifts the reading frame from serine 2883.
Molecular consequence: frameshift variant.
Genome position (GRCh38, 1-based): chr17:67,975,881, T deleted. VCF-style (leftmost placement, unchanged base first): chr17-67975880-GT-G. GRCh37 (hg19) VCF-style: chr17-65971996-GT-G.
Other names: c.8598del, p.Ser2866fs (NM_004459.7); short protein forms S2866fs, S2883fs.
Identifiers: ClinVar variation 3062168 (VCV003062168.2), dbSNP rs2513703489, ClinGen allele CA2740093907.